The following is an entry in ClinVar:

NM_000069.3(CACNA1S):c.206_208delinsGCA (p.Ala69_Val70delinsGlyMet)

Gene: CACNA1S (calcium voltage-gated channel subunit alpha1 S; minus strand). Cytogenetic location: 1q32.1.
Variant type: Indel.
Coding change: c.206_208delinsGCA on transcript NM_000069.3 (MANE Select); coding-DNA positions 206 to 208, CCG replaced by GCA.
Protein change: p.Ala69_Val70delinsGlyMet.
Molecular consequence: missense variant.
Genome position (GRCh38, 1-based): chr1:201,110,214-201,110,216, CGG replaced by TGC on the plus strand (CCG replaced by GCA on the coding strand, the reverse complement: CACNA1S is on the minus strand). VCF-style: chr1-201110214-CGG-TGC. GRCh37 (hg19) VCF-style: chr1-201079342-CGG-TGC.
Identifiers: ClinVar variation 4758587 (VCV004758587.1).

ClinVar aggregate classification (germline): Uncertain significance (1 of 4 stars; one submission).

Conditions:
Malignant hyperthermia, susceptibility to, 5 (MHS5). Also called: CACNA1S-Related Malignant Hyperthermia Susceptibility. Identifiers: Orphanet 423, MedGen C1866077, MONDO:0011163, OMIM 601887.

Submission:

Color Diagnostics, LLC DBA Color Health
Classification: Uncertain significance for Malignant hyperthermia, susceptibility to, 5. Last evaluated: 2025-06-19. Review status: criteria provided, single submitter. Criteria: ACMG Guidelines, 2015. Collection method: clinical testing. Allele origin: germline.
Comment: This variant causes an in-frame substitution of two amino acids at codons 69 and 70 in the CACNA1S protein with two novel amino acids (p.Ala69_Val70delinsGlyMet). To our knowledge, functional studies have not been reported for this variant. This variant has not been reported in individuals affected with CACNA1S-related disorders in the literature. This variant has not been identified in the general population by the Genome Aggregation Database (gnomAD). The available evidence is insufficient to determine the role of this variant in disease conclusively. Therefore, this variant is classified as a Variant of Uncertain Significance.